The following is an entry in ClinVar:

NM_001286577.2(C2CD3):c.5998C>T (p.Arg2000Ter)

Gene: C2CD3 (C2 domain containing 3 centriole elongation regulator; minus strand). Cytogenetic location: 11q13.4.
Variant type: single nucleotide variant.
Coding change: c.5998C>T on transcript NM_001286577.2 (MANE Select); coding-DNA position 5998, C replaced by T.
Protein change: p.Arg2000Ter; replaces arginine 2000 with a stop codon.
Molecular consequence: nonsense.
Genome position (GRCh38, 1-based): chr11:74,034,162, G>A on the plus strand (C>T on the coding strand, the complement: C2CD3 is on the minus strand). VCF-style: chr11-74034162-G-A. GRCh37 (hg19) VCF-style: chr11-73745207-G-A.
Other names: short protein forms R2000*.
Identifiers: ClinVar variation 1979541 (VCV001979541.4), dbSNP rs990243491, ClinGen allele CA224505814.

ClinVar aggregate classification (germline): Uncertain significance (1 of 4 stars; one submission).

Allele frequency attached by ClinVar (database versions not stated): gnomAD 0.00001; gnomAD exomes 0.00001; TOPMed 0.00001.
gnomAD v4.1: 9 of 1,536,088 alleles (0.00059%); highest among the groups gnomAD compares: African/African-American, 0.0041%; no homozygotes.

Submission:

Labcorp Genetics (formerly Invitae), Labcorp
Classification: Uncertain significance. Last evaluated: 2021-12-21. Review status: criteria provided, single submitter. Criteria: Invitae Variant Classification Sherloc (09022015). Collection method: clinical testing. Allele origin: germline.
Comment: This variant has not been reported in the literature in individuals affected with C2CD3-related conditions. In summary, the available evidence is currently insufficient to determine the role of this variant in disease. Therefore, it has been classified as a Variant of Uncertain Significance. Experimental studies and prediction algorithms are not available or were not evaluated, and the functional significance of this variant is currently unknown. This variant is present in population databases (no rsID available, gnomAD 0.01%). This sequence change creates a premature translational stop signal (p.Arg2000*) in the C2CD3 gene. The C2CD3 gene has multiple clinically relevant transcripts. This variant occurs in alternate transcript NM_001286577.1, and corresponds to NM_015531.5:c.*436C>T in the primary transcript.